The following is an entry in ClinVar:

ClinVar aggregate classification (germline): Uncertain significance (1 of 4 stars; one submission).

Conditions:
Hypertrophic cardiomyopathy 14. Identifiers: MedGen C2750467, MONDO:0013197, OMIM 613251.

Submission:

Labcorp Genetics (formerly Invitae), Labcorp
Classification: Uncertain significance for Hypertrophic cardiomyopathy 14. Last evaluated: 2021-08-29. Review status: criteria provided, single submitter. Criteria: Invitae Variant Classification Sherloc (09022015). Collection method: clinical testing. Allele origin: germline.
Comment: This sequence change replaces asparagine with histidine at codon 913 of the MYH6 protein (p.Asn913His). The asparagine residue is weakly conserved and there is a small physicochemical difference between asparagine and histidine. This variant is not present in population databases (ExAC no frequency). This variant has not been reported in the literature in individuals affected with MYH6-related conditions. Algorithms developed to predict the effect of missense changes on protein structure and function are either unavailable or do not agree on the potential impact of this missense change (SIFT: "Deleterious"; PolyPhen-2: "Benign"; Align-GVGD: "Class C0"). In summary, the available evidence is currently insufficient to determine the role of this variant in disease. Therefore, it has been classified as a Variant of Uncertain Significance.

NM_002471.4(MYH6):c.2737A>C (p.Asn913His)

Gene: MYH6 (myosin heavy chain 6; minus strand). Cytogenetic location: 14q11.2.
Variant type: single nucleotide variant.
Coding change: c.2737A>C on transcript NM_002471.4 (MANE Select); coding-DNA position 2737, A replaced by C.
Protein change: p.Asn913His; replaces asparagine 913 with histidine.
Molecular consequence: missense variant.
Genome position (GRCh38, 1-based): chr14:23,393,857, T>G on the plus strand (A>C on the coding strand, the complement: MYH6 is on the minus strand). VCF-style: chr14-23393857-T-G. GRCh37 (hg19) VCF-style: chr14-23863066-T-G.
Other names: short protein forms N913H.
Identifiers: ClinVar variation 1523669 (VCV001523669.1), dbSNP rs2138599127, ClinGen allele CA389013111.
Genomic context (GRCh38, chr14:23,393,857, plus strand): 5'-CCTCCTCATCCTCCAGCCTCTCATTCATCTCCTTTACTTTGGCCTCCAGCTGAATCTTGT[T>G]TTTGATCAGCTGGTCGCAGCGCTCCTCAGCATCATTGAGGTTGTCTTGTTCCTGGGAGAA-3'
Protein context (NP_002462.2, residues 903-923): AEERCDQLIK[Asn913His]KIQLEAKVKE